The following is an entry in ClinVar:

NM_181332.3(NLGN4X):c.1836G>T (p.Lys612Asn)

Gene: NLGN4X (neuroligin 4 X-linked; minus strand). Cytogenetic location: Xp22.32.
Variant type: single nucleotide variant.
Coding change: c.1836G>T on transcript NM_181332.3 (MANE Select); coding-DNA position 1836, G replaced by T.
Protein change: p.Lys612Asn; replaces lysine 612 with asparagine.
Molecular consequence: missense variant.
Genome position (GRCh38, 1-based): chrX:5,893,432, C>A on the plus strand (G>T on the coding strand, the complement: NLGN4X is on the minus strand). VCF-style: chrX-5893432-C-A. GRCh37 (hg19) VCF-style: chrX-5811473-C-A.
Other names: c.1836G>T, p.Lys612Asn (NM_001282145.2, NM_001282146.2, NM_020742.4); short protein forms K612N.
Identifiers: ClinVar variation 2580004 (VCV002580004.2), dbSNP rs1183929383, ClinGen allele CA412013569.
Genomic context (GRCh38, chrX:5,893,432, plus strand): 5'-TATCTTGGCGGGAGATCGCCGGGTGCCATAGGGAAATGATGTCATGTCTGGTGGAGGAAC[C>A]TTTGTGGTTGTTGAAACATACTGGAATATCTCGTTCAAGTTGTGCAAATGAGGAACGAGT-3'
Protein context (NP_851849.1, residues 602-622): EIFQYVSTTT[Lys612Asn]VPPPDMTSFP

ClinVar aggregate classification (germline): Uncertain significance (1 of 4 stars; one submission).

Submission:

GeneDx
Classification: Uncertain significance. Last evaluated: 2025-04-22. Review status: criteria provided, single submitter. Criteria: GeneDx Variant Classification Process June 2021. Collection method: clinical testing. Allele origin: germline.
Comment: Not observed at significant frequency in large population cohorts (gnomAD); In silico analysis supports that this missense variant does not alter protein structure/function; Has not been previously published as pathogenic or benign to our knowledge